The following is an entry in ClinVar:

ClinVar aggregate classification (germline): Benign/Likely benign. Review status: criteria provided, multiple submitters, no conflicts (2 of 4 stars). 3 submissions from 3 submitters: Benign (1); Likely benign (1). 1 of the submissions does not count toward it. Last evaluated 2025-12-21.

Conditions:
LRP2-related disorder. Also called: LRP2-related condition.

Allele frequency attached by ClinVar (database versions not stated): gnomAD exomes 0.00927 and 0.04757; gnomAD 0.02580 and 0.02594.
gnomAD v4.1: 89 of 8,174 alleles (1.1%); highest among the groups gnomAD compares: Non-Finnish European, 1.9%; no homozygotes.

Submissions (3):

Labcorp Genetics (formerly Invitae), Labcorp
Classification: Likely benign. Last evaluated: 2025-12-21. Review status: criteria provided, single submitter. Criteria: Invitae Variant Classification Sherloc (09022015). Collection method: clinical testing. Allele origin: germline.

Mayo Clinic Laboratories, Mayo Clinic
Classification: Benign. Last evaluated: 2024-11-27. Review status: criteria provided, single submitter. Criteria: ACMG Guidelines, 2015. Collection method: clinical testing. Allele origin: germline. Observed: 1 variant allele.
Comment: BA1, BS2, BP7

PreventionGenetics, part of Exact Sciences
Classification: Benign for LRP2-related condition. Last evaluated: 2022-12-22. Review status: no assertion criteria provided. Collection method: clinical testing. Allele origin: germline. Not counted in ClinVar's aggregate classification.
Comment: This variant is classified as benign based on ACMG/AMP sequence variant interpretation guidelines (Richards et al. 2015 PMID: 25741868, with internal and published modifications).

NM_004525.3(LRP2):c.428-9T>A

Gene: LRP2 (LDL receptor related protein 2; minus strand). Cytogenetic location: 2q31.1.
Variant type: single nucleotide variant.
Coding change: c.428-9T>A on transcript NM_004525.3 (MANE Select); 9 bases into the intron before coding-DNA position 428, T replaced by A.
Molecular consequence: intron variant.
Genome position (GRCh38, 1-based): chr2:169,294,719, A>T on the plus strand (T>A on the coding strand, the complement: LRP2 is on the minus strand). VCF-style: chr2-169294719-A-T. GRCh37 (hg19) VCF-style: chr2-170151229-A-T.
Other names: p.?; c.428-9T>A (NM_004525.2).
Identifiers: ClinVar variation 1659931 (VCV001659931.11), dbSNP rs1162568534, ClinGen allele CA537972143.